The following is an entry in ClinVar:

ClinVar aggregate classification (germline): Likely pathogenic (1 of 4 stars; one submission).

Conditions:
Ellis-van Creveld syndrome (EVC). Also called: Chondroectodermal dysplasia; EVC-Related Ellis-van Creveld Syndrome; EVC2-Related Ellis-van Creveld Syndrome; MESOECTODERMAL DYSPLASIA. Identifiers: Orphanet 289, MedGen C0013903, MONDO:0009162, OMIM 225500.

Submission:

Natera, Inc.
Classification: Likely pathogenic for Ellis-van Creveld syndrome. Last evaluated: 2024-12-27. Review status: criteria provided, single submitter. Criteria: Natera Variant Classification Schema (03/2026). Collection method: clinical testing. Allele origin: germline.
Comment: The c.384+1del variant in EVC is a canonical splice donor site variant predicted to affect pre-mRNA splicing, which may result in an abnormal transcript and altered protein product. This variant is expected to result in nonsense mediated decay, truncation, or a dysfunctional protein product. This variant is rare in the general population with a frequency below the threshold expected for the associated phenotype(s). Given the available evidence, this variant is classified as Likely Pathogenic.

NM_153717.3(EVC):c.384+1del

Gene: EVC (EvC ciliary complex subunit 1; plus strand). Cytogenetic location: 4p16.2.
Variant type: Deletion.
Coding change: c.384+1del on transcript NM_153717.3 (MANE Select); the canonical splice donor site of the intron after coding-DNA position 384, one base deleted (G; older notation c.384+1delG).
Molecular consequence: splice donor variant.
Genome position (GRCh38, 1-based): chr4:5,729,391, G deleted; the last of 3 consecutive G bases (chr4:5,729,389-5,729,391); deleting any one gives the same sequence. VCF-style (leftmost placement, unchanged base first): chr4-5729388-CG-C. GRCh37 (hg19) VCF-style: chr4-5731115-CG-C.
Other names: c.384+1del (NM_001306090.2, NM_001306092.2).
Identifiers: ClinVar variation 4816940 (VCV004816940.1).